The following is an entry in ClinVar:

NM_001351578.2(ODF2):c.1200G>A (p.Glu400=)

Gene: ODF2 (outer dense fiber of sperm tails 2; plus strand). Cytogenetic location: 9q34.11.
Variant type: single nucleotide variant.
Coding change: c.1200G>A on transcript NM_001351578.2 (MANE Select); coding-DNA position 1200, G replaced by A.
Protein change: p.Glu400=; no amino-acid change (glutamic acid 400 retained).
Molecular consequence: synonymous variant.
Genome position (GRCh38, 1-based): chr9:128,482,851, G>A. VCF-style: chr9-128482851-G-A. GRCh37 (hg19) VCF-style: chr9-131245130-G-A.
Other names: c.936G>A, p.Glu312= (NM_001242352.2, NM_001351579.2, NM_001351580.2 and 2 more transcripts); c.951G>A, p.Glu317= (NM_001242353.2, NM_153433.2, NM_153436.2); c.708G>A, p.Glu236= (NM_001242354.2, NM_001351588.2); c.1200G>A, p.Glu400= (NM_001351577.1); c.1083G>A, p.Glu361= (NM_001351581.1, NM_153432.1); c.1068G>A, p.Glu356= (NM_001351582.2); c.879G>A, p.Glu293= (NM_001351583.2, NM_001351586.2, NM_002540.5); c.765G>A, p.Glu255= (NM_001351587.2); and 3 more.
Identifiers: ClinVar variation 2659535 (VCV002659535.24), dbSNP rs139481144, ClinGen allele CA5262888.

ClinVar aggregate classification (germline): Likely benign (1 of 4 stars; one submission).

Allele frequency attached by ClinVar (database versions not stated): 1000 Genomes Project 30x 0.00047; 1000 Genomes Project 0.00060; gnomAD exomes 0.00127; ExAC 0.00134; TOPMed 0.00144; gnomAD 0.00152; ESP Exome Variant Server 0.00161.
gnomAD v4.1: 2,088 of 1,613,308 alleles (0.13%); highest among the groups gnomAD compares: Middle Eastern, 0.21%; 3 homozygotes.

Submission:

CeGaT Center for Human Genetics Tuebingen
Classification: Likely benign. Last evaluated: 2023-03-01. Review status: criteria provided, single submitter. Criteria: CeGaT Center For Human Genetics Tuebingen Variant Classification Criteria Version 2. Collection method: clinical testing. Allele origin: germline. Affected: yes. Observed: 2 variant alleles.
Comment: ODF2: BP4, BP7